The following is an entry in ClinVar:

ClinVar aggregate classification (germline): Uncertain significance (1 of 4 stars; one submission).

Conditions:
Peroxisome biogenesis disorder 3A (Zellweger). Also called: PEROXISOMAL BIOGENESIS DISORDER 3A (ZELLWEGER); Peroxisome biogenesis disorder 3A. Identifiers: Orphanet 912, MedGen C3553929, MONDO:0013927, OMIM 614859.

Submission:

Labcorp Genetics (formerly Invitae), Labcorp
Classification: Uncertain significance for Peroxisome biogenesis disorder 3A (Zellweger). Last evaluated: 2021-06-16. Review status: criteria provided, single submitter. Criteria: Invitae Variant Classification Sherloc (09022015). Collection method: clinical testing. Allele origin: germline.
Comment: This variant has not been reported in the literature in individuals with PEX12-related conditions. This sequence change falls in intron 1 of the PEX12 gene. It does not directly change the encoded amino acid sequence of the PEX12 protein. It affects a nucleotide within the consensus splice site of the intron. This variant is not present in population databases (ExAC no frequency). Nucleotide substitutions within the consensus splice site are a relatively common cause of aberrant splicing (PMID: 17576681, 9536098). Algorithms developed to predict the effect of sequence changes on RNA splicing suggest that this variant is not likely to affect RNA splicing, but this prediction has not been confirmed by published transcriptional studies. In summary, the available evidence is currently insufficient to determine the role of this variant in disease. Therefore, it has been classified as a Variant of Uncertain Significance.

Literature cited by the submitters: PubMed 17576681; PubMed 9536098.

NM_000286.3(PEX12):c.126+3A>G

Gene: PEX12 (peroxisomal biogenesis factor 12; minus strand). Cytogenetic location: 17q12.
Variant type: single nucleotide variant.
Coding change: c.126+3A>G on transcript NM_000286.3 (MANE Select); 3 bases into the intron after coding-DNA position 126, A replaced by G.
Molecular consequence: intron variant.
Genome position (GRCh38, 1-based): chr17:35,577,893, T>C on the plus strand (A>G on the coding strand, the complement: PEX12 is on the minus strand). VCF-style: chr17-35577893-T-C. GRCh37 (hg19) VCF-style: chr17-33904912-T-C.
Identifiers: ClinVar variation 1506487 (VCV001506487.6), dbSNP rs2072796615, ClinGen allele CA2573153716.